The following is an entry in ClinVar:

NM_000488.4(SERPINC1):c.296C>A (p.Ala99Glu)

Gene: SERPINC1 (serpin family C member 1; minus strand). Cytogenetic location: 1q25.1.
Variant type: single nucleotide variant.
Coding change: c.296C>A on transcript NM_000488.4 (MANE Select); coding-DNA position 296, C replaced by A.
Protein change: p.Ala99Glu; replaces alanine 99 with glutamic acid.
Molecular consequence: missense variant.
Genome position (GRCh38, 1-based): chr1:173,914,665, G>T on the plus strand (C>A on the coding strand, the complement: SERPINC1 is on the minus strand). VCF-style: chr1-173914665-G-T. GRCh37 (hg19) VCF-style: chr1-173883803-G-T.
Other names: NM_000488.4(SERPINC1):c.296C>A; p.Ala99Glu; c.152C>A, p.Ala51Glu (NM_001365052.2); c.296C>A, p.Ala99Glu (NM_001386302.1, NM_001386304.1, NM_001386305.1 and 1 more transcripts); c.377C>A, p.Ala126Glu (NM_001386303.1); short protein forms A126E, A51E, A99E.
Identifiers: ClinVar variation 1353268 (VCV001353268.10), dbSNP rs2102789784, ClinGen allele CA343777610.

ClinVar aggregate classification (germline): Uncertain significance. Review status: reviewed by expert panel (3 of 4 stars). 2 submissions from 2 submitters: Uncertain significance (1). 1 of the submissions does not count toward it. Last evaluated 2025-09-26.

Conditions:
Hereditary antithrombin deficiency (AT3D). Also called: Antithrombin III deficiency; Thrombophilia due to antithrombin III deficiency; Antithrombin deficiency; Reduced antithrombin III activity. Identifiers: Orphanet 82, MedGen C0272375, MONDO:0013144, OMIM 613118, HP:0001976.

Submissions (2):

Clingen Thrombosis Variant Curation Expert Panel, ClinGen
Classification: Uncertain significance for Hereditary antithrombin deficiency. Last evaluated: 2025-09-26. Review status: reviewed by expert panel. Criteria: ClinGen ACMG Specifications SERPINC1 V1.0.0. Collection method: curation. Allele origin: germline. Inheritance: Autosomal dominant inheritance.
Comment: The c.296C>A (NM_000488.4) variant in SERPINC1 is a missense variant predicted to cause substitution of alanine by glutamine at amino acid 99 (p.Ala99Glu). This variant alters a highly conserved residue, at the end of an alpha helix. The variant is absent from gnomAD v4.1.0 in a region with good coverage profile across both genomes and exomes (PM2_supporting). The computational predictor REVEL gives a score of 0.731, which is above the threshold of 0.6, which correlates with a deleterious impact to SERPINC1 function (PP3). No case-level evidence available in the literature at the time of this interpretation. In summary, this variant meets the criteria to be classified as uncertain significance for autosomal dominant antithrombin deficiency based on the ACMG/AMP criteria applied, as specified by the ClinGen Thrombosis VCEP (PM2_supporting, PP3).

Labcorp Genetics (formerly Invitae), Labcorp
Classification: Uncertain significance for Hereditary antithrombin deficiency. Last evaluated: 2021-05-12. Review status: criteria provided, single submitter. Criteria: Invitae Variant Classification Sherloc (09022015). Collection method: clinical testing. Allele origin: germline. Not counted in ClinVar's aggregate classification.
Comment: In summary, the available evidence is currently insufficient to determine the role of this variant in disease. Therefore, it has been classified as a Variant of Uncertain Significance. Algorithms developed to predict the effect of missense changes on protein structure and function (SIFT, PolyPhen-2, Align-GVGD) all suggest that this variant is likely to be disruptive, but these predictions have not been confirmed by published functional studies and their clinical significance is uncertain. This variant has not been reported in the literature in individuals with SERPINC1-related conditions. This variant is not present in population databases (ExAC no frequency). This sequence change replaces alanine with glutamic acid at codon 99 of the SERPINC1 protein (p.Ala99Glu). The alanine residue is highly conserved and there is a moderate physicochemical difference between alanine and glutamic acid.